The following is an entry in ClinVar:

ClinVar aggregate classification (germline): Uncertain significance (1 of 4 stars; one submission).

Submission:

Labcorp Genetics (formerly Invitae), Labcorp
Classification: Uncertain significance. Last evaluated: 2026-01-05. Review status: criteria provided, single submitter. Criteria: Invitae Variant Classification Sherloc (09022015). Collection method: clinical testing. Allele origin: germline.
Comment: This sequence change replaces serine, which is neutral and polar, with proline, which is neutral and non-polar, at codon 2 of the TMEM240 protein (p.Ser2Pro). This variant is not present in population databases (gnomAD no frequency). This variant has not been reported in the literature in individuals affected with TMEM240-related conditions. ClinVar contains an entry for this variant (Variation ID: 2879249). An algorithm developed to predict the effect of missense changes on protein structure and function outputs the following: PolyPhen-2: "Benign". The proline amino acid residue is found in multiple mammalian species, which suggests that this missense change does not adversely affect protein function. In summary, the available evidence is currently insufficient to determine the role of this variant in disease. Therefore, it has been classified as a Variant of Uncertain Significance.

NM_001114748.2(TMEM240):c.4T>C (p.Ser2Pro)

Gene: TMEM240 (transmembrane protein 240; minus strand). Cytogenetic location: 1p36.33.
Variant type: single nucleotide variant.
Coding change: c.4T>C on transcript NM_001114748.2 (MANE Select); coding-DNA position 4, T replaced by C.
Protein change: p.Ser2Pro; replaces serine 2 with proline.
Molecular consequence: missense variant.
Genome position (GRCh38, 1-based): chr1:1,540,343, A>G on the plus strand (T>C on the coding strand, the complement: TMEM240 is on the minus strand). VCF-style: chr1-1540343-A-G. GRCh37 (hg19) VCF-style: chr1-1475723-A-G.
Other names: short protein forms S2P.
Identifiers: ClinVar variation 2879249 (VCV002879249.3), dbSNP rs2521008799, ClinGen allele CA337869734.